The following is an entry in ClinVar:

ClinVar aggregate classification (germline): Uncertain significance (1 of 4 stars; one submission).

Allele frequency attached by ClinVar (database versions not stated): gnomAD exomes below 0.00001; TOPMed below 0.00001; gnomAD 0.00001.
gnomAD v4.1: 2 of 1,613,974 alleles (0.00012%); highest among the groups gnomAD compares: African/African-American, 0.0013%; no homozygotes.

Submission:

Labcorp Genetics (formerly Invitae), Labcorp
Classification: Uncertain significance. Last evaluated: 2021-12-20. Review status: criteria provided, single submitter. Criteria: Invitae Variant Classification Sherloc (09022015). Collection method: clinical testing. Allele origin: germline.
Comment: This sequence change replaces glutamic acid, which is acidic and polar, with glutamine, which is neutral and polar, at codon 238 of the ADAM9 protein (p.Glu238Gln). In summary, the available evidence is currently insufficient to determine the role of this variant in disease. Therefore, it has been classified as a Variant of Uncertain Significance. Algorithms developed to predict the effect of missense changes on protein structure and function are either unavailable or do not agree on the potential impact of this missense change (SIFT: "Tolerated"; PolyPhen-2: "Possibly Damaging"; Align-GVGD: "Class C0"). This variant has not been reported in the literature in individuals affected with ADAM9-related conditions. This variant is present in population databases (no rsID available, gnomAD 0.0009%).

NM_003816.3(ADAM9):c.712G>C (p.Glu238Gln)

Gene: ADAM9 (ADAM metallopeptidase domain 9; plus strand). Cytogenetic location: 8p11.22.
Variant type: single nucleotide variant.
Coding change: c.712G>C on transcript NM_003816.3 (MANE Select); coding-DNA position 712, G replaced by C.
Protein change: p.Glu238Gln; replaces glutamic acid 238 with glutamine.
Molecular consequence: missense variant. On other transcripts: non-coding transcript variant (3).
Genome position (GRCh38, 1-based): chr8:39,021,682, G>C. VCF-style: chr8-39021682-G-C. GRCh37 (hg19) VCF-style: chr8-38879201-G-C.
Other names: short protein forms E238Q.
Identifiers: ClinVar variation 2049585 (VCV002049585.2), dbSNP rs1014355670, ClinGen allele CA175209019.
Genomic context (GRCh38, chr8:39,021,682, plus strand): 5'-TCTCCTTCTTTGCTTTTCCAGTATGACATGATGGGAAGAAATCAGACTGCTGTGAGAGAA[G>C]AGATGATTCTCCTGGCAAACTACTTGGATAGTGTAAGTTGTATTTTCTATCAACCAGGAT-3'
Protein context (NP_003807.1, residues 228-248): MGRNQTAVRE[Glu238Gln]MILLANYLDS